The following is an entry in ClinVar:

ClinVar aggregate classification (germline): Benign (1 of 4 stars; one submission).

Conditions:
Fibrous dysplasia of jaw (CRBM). Also called: Cherubism. Identifiers: Orphanet 184, MedGen C0008029, MONDO:0007315, OMIM 118400.

Allele frequency attached by ClinVar (database versions not stated): 1000 Genomes Project 0.00060; 1000 Genomes Project 30x 0.00094; TOPMed 0.00154; gnomAD 0.00155.

Submission:

Illumina Laboratory Services, Illumina
Classification: Benign for Fibrous dysplasia of jaw. Last evaluated: 2018-01-13. Review status: criteria provided, single submitter. Criteria: ICSL Variant Classification Criteria 13 December 2019. Collection method: clinical testing. Allele origin: germline.
Comment: This variant was observed in the ICSL laboratory as part of a predisposition screen in an ostensibly healthy population. It had not been previously curated by ICSL or reported in the Human Gene Mutation Database (HGMD: prior to June 1st, 2018), and was therefore a candidate for classification through an automated scoring system. Utilizing variant allele frequency, disease prevalence and penetrance estimates, and inheritance mode, an automated score was calculated to assess if this variant is too frequent to cause the disease. Based on the score and internal cut-off values, a variant classified as benign is not then subjected to further curation. The score for this variant resulted in a classification of benign for this disease.

NM_001122681.2(SH3BP2):c.*4832T>G

Gene: SH3BP2 (SH3 domain binding protein 2; plus strand). Cytogenetic location: 4p16.3.
Variant type: single nucleotide variant.
Coding change: c.*4832T>G on transcript NM_001122681.2 (MANE Select); 4832 bases downstream of the stop codon, T replaced by G.
Molecular consequence: 3 prime UTR variant.
Genome position (GRCh38, 1-based): chr4:2,838,666, T>G. VCF-style: chr4-2838666-T-G. GRCh37 (hg19) VCF-style: chr4-2840393-T-G.
Other names: c.*4832T>G (LRG_1334t1, LRG_1334t2, NM_001145855.2 and 2 more transcripts).
Identifiers: ClinVar variation 348678 (VCV000348678.5), dbSNP rs145350139, ClinGen allele CA10620973.